The following is an entry in ClinVar:

ClinVar aggregate classification (germline): Likely benign. Review status: criteria provided, multiple submitters, no conflicts (2 of 4 stars). 3 submissions from 3 submitters: Likely benign (3). Last evaluated 2025-12-15.

Conditions:
Immunodeficiency 14 (IMD14A). Also called: ACTIVATED PI3K-DELTA SYNDROME 1; p110-DELTA-ACTIVATING MUTATION CAUSING SENESCENT T CELLS, LYMPHADENOPATHY, AND IMMUNODEFICIENCY; Activated PI3K Delta Syndrome Type 1 (APDS1); IMMUNODEFICIENCY 14A WITH LYMPHOPROLIFERATION, AUTOSOMAL DOMINANT. Identifiers: Orphanet 397596, Orphanet 693661, MedGen C5907821, MONDO:0014222, OMIM 615513.

Allele frequency attached by ClinVar (database versions not stated): gnomAD exomes 0.00001; ExAC 0.00002; gnomAD 0.00002 and 0.00003; TOPMed 0.00002; ESP Exome Variant Server 0.00008; 1000 Genomes Project 30x 0.00016; 1000 Genomes Project 0.00020.
gnomAD v4.1: 23 of 1,614,192 alleles (0.0014%); highest among the groups gnomAD compares: Middle Eastern, 0.033%; no homozygotes.

Submissions (3):

Labcorp Genetics (formerly Invitae), Labcorp
Classification: Likely benign for Activated PI3K-delta syndrome. Last evaluated: 2025-12-15. Review status: criteria provided, single submitter. Criteria: Invitae Variant Classification Sherloc (09022015). Collection method: clinical testing. Allele origin: germline.

CeGaT Center for Human Genetics Tuebingen
Classification: Likely benign. Last evaluated: 2024-12-01. Review status: criteria provided, single submitter. Criteria: CeGaT Center For Human Genetics Tuebingen Variant Classification Criteria Version 2. Collection method: clinical testing. Allele origin: germline. Affected: yes. Observed: 1 variant allele.
Comment: PIK3CD: BP4, BP7

Blueprint Genetics
Classification: Likely benign. Last evaluated: 2024-06-26. Review status: criteria provided, single submitter. Criteria: ACMG Guidelines, 2015. Collection method: clinical testing. Allele origin: germline.

NM_005026.5(PIK3CD):c.2754T>C (p.Asn918=)

Gene: PIK3CD (phosphatidylinositol-4,5-bisphosphate 3-kinase catalytic subunit delta; plus strand). Cytogenetic location: 1p36.22.
Variant type: single nucleotide variant.
Coding change: c.2754T>C on transcript NM_005026.5 (MANE Select); coding-DNA position 2754, T replaced by C.
Protein change: p.Asn918=; no amino-acid change (asparagine 918 retained).
Molecular consequence: synonymous variant.
Genome position (GRCh38, 1-based): chr1:9,724,311, T>C. VCF-style: chr1-9724311-T-C. GRCh37 (hg19) VCF-style: chr1-9784369-T-C.
Other names: c.2751T>C, p.Asn917= (NM_001350234.2); c.2667T>C, p.Asn889= (NM_001350235.1).
Identifiers: ClinVar variation 1612975 (VCV001612975.22), dbSNP rs143846503, ClinGen allele CA577625.